The following is an entry in ClinVar:

ClinVar aggregate classification (germline): Uncertain significance (1 of 4 stars; one submission).

Submission:

Labcorp Genetics (formerly Invitae), Labcorp
Classification: Uncertain significance. Last evaluated: 2025-12-22. Review status: criteria provided, single submitter. Criteria: Invitae Variant Classification Sherloc (09022015). Collection method: clinical testing. Allele origin: germline.
Comment: This sequence change falls in intron 12 of the PLXNA2 gene. It does not directly change the encoded amino acid sequence of the PLXNA2 protein. It affects a nucleotide within the consensus splice site. This variant is not present in population databases (gnomAD no frequency). This variant has not been reported in the literature in individuals affected with PLXNA2-related conditions. Variants that disrupt the consensus splice site are a relatively common cause of aberrant splicing (PMID: 17576681, 9536098). Algorithms developed to predict the effect of sequence changes on RNA splicing suggest that this variant is not likely to affect RNA splicing. In summary, the available evidence is currently insufficient to determine the role of this variant in disease. Therefore, it has been classified as a Variant of Uncertain Significance.

Literature cited by the submitters: PubMed 17576681; PubMed 9536098.

NM_025179.4(PLXNA2):c.2586+4A>T

Gene: PLXNA2 (plexin A2; minus strand). Cytogenetic location: 1q32.2.
Variant type: single nucleotide variant.
Coding change: c.2586+4A>T on transcript NM_025179.4 (MANE Select); 4 bases into the intron after coding-DNA position 2586, A replaced by T.
Molecular consequence: intron variant.
Genome position (GRCh38, 1-based): chr1:208,079,256, T>A on the plus strand (A>T on the coding strand, the complement: PLXNA2 is on the minus strand). VCF-style: chr1-208079256-T-A. GRCh37 (hg19) VCF-style: chr1-208252601-T-A.
Identifiers: ClinVar variation 4716259 (VCV004716259.1).